The following is an entry in ClinVar:

NM_001081.4(CUBN):c.7724C>G (p.Pro2575Arg)

Gene: CUBN (cubilin; minus strand). Cytogenetic location: 10p13.
Variant type: single nucleotide variant.
Coding change: c.7724C>G on transcript NM_001081.4 (MANE Select); coding-DNA position 7724, C replaced by G.
Protein change: p.Pro2575Arg; replaces proline 2575 with arginine.
Molecular consequence: missense variant.
Genome position (GRCh38, 1-based): chr10:16,906,391, G>C on the plus strand (C>G on the coding strand, the complement: CUBN is on the minus strand). VCF-style: chr10-16906391-G-C. GRCh37 (hg19) VCF-style: chr10-16948390-G-C.
Other names: short protein forms P2575R.
Identifiers: ClinVar variation 299419 (VCV000299419.33), dbSNP rs3740168, ClinGen allele CA5423257.
Genomic context (GRCh38, chr10:16,906,391, plus strand): 5'-CTTGAGTAATTCCTGACTCCGTCATAGCCAGGAGAAGTAAAGTTTCCTTCAGGAGTATTT[G>C]GAAGAGACCCACCACACACTAAGAAAACAGAAGGCAACAGAGAAAGTAGTAGTAAGATTC-3'
Protein context (NP_001072.2, residues 2565-2585): SEDAVCGGSL[Pro2575Arg]NTPEGNFTSP

ClinVar aggregate classification (germline): Benign. Review status: criteria provided, multiple submitters, no conflicts (2 of 4 stars). 7 submissions from 7 submitters: Benign (7). Last evaluated 2026-02-03.

Conditions:
Imerslund-Grasbeck syndrome type 1 (IGS1). Also called: Megaloblastic anemia 1, Finnish type; MEGALOBLASTIC ANEMIA, 1; Imerslund-Gräsbeck syndrome 1. Identifiers: MedGen C4016819, MONDO:0100156, OMIM 261100.
Imerslund-Grasbeck syndrome. Also called: Megaloblastic anemia due to inborn errors of metabolism; Imerslund-Gräsbeck syndrome; ENTEROCYTE COBALAMIN MALABSORPTION; ENTEROCYTE INTRINSIC FACTOR RECEPTOR, DEFECT OF; PERNICIOUS ANEMIA, JUVENILE, DUE TO SELECTIVE INTESTINAL MALABSORPTION OF VITAMIN B12, WITH PROTEINURIA. Identifiers: Orphanet 35858, MedGen C4551825, MONDO:0009853.

Allele frequency attached by ClinVar (database versions not stated): gnomAD exomes 0.04472 and 0.02570; 1000 Genomes Project 30x 0.06449; 1000 Genomes Project 0.06749; ESP Exome Variant Server 0.01215; gnomAD 0.02405 and 0.02019; ExAC 0.04208; TOPMed 0.02891.
gnomAD v4.1: 41,660 of 1,613,304 alleles (2.6%); highest among the groups gnomAD compares: East Asian, 13%; 1,387 homozygotes.

Submissions (7):

Labcorp Genetics (formerly Invitae), Labcorp
Classification: Benign for Imerslund-Grasbeck syndrome. Last evaluated: 2026-02-03. Review status: criteria provided, single submitter. Criteria: Invitae Variant Classification Sherloc (09022015). Collection method: clinical testing. Allele origin: germline.

ARUP Laboratories, Molecular Genetics and Genomics, ARUP Laboratories
Classification: Benign. Last evaluated: 2025-01-29. Review status: criteria provided, single submitter. Criteria: ARUP Molecular Germline Variant Investigation Process 2024. Collection method: clinical testing. Allele origin: germline.

Mayo Clinic Laboratories, Mayo Clinic
Classification: Benign. Last evaluated: 2022-03-09. Review status: criteria provided, single submitter. Criteria: ACMG Guidelines, 2015. Collection method: clinical testing. Allele origin: germline. Observed: 22 variant alleles.

Genome-Nilou Lab
Classification: Benign for Imerslund-Grasbeck syndrome type 1. Last evaluated: 2021-07-30. Review status: criteria provided, single submitter. Criteria: ACMG Guidelines, 2015. Collection method: clinical testing. Allele origin: germline. Affected: no.

GeneDx
Classification: Benign. Last evaluated: 2020-02-03. Review status: criteria provided, single submitter. Criteria: GeneDx Variant Classification Process June 2021. Collection method: clinical testing. Allele origin: germline. Affected: yes.

Illumina Laboratory Services, Illumina
Classification: Benign for Imerslund-Grasbeck syndrome type 1. Last evaluated: 2018-01-13. Review status: criteria provided, single submitter. Criteria: ICSL Variant Classification Criteria 13 December 2019. Collection method: clinical testing. Allele origin: germline.
Comment: This variant was observed in the ICSL laboratory as part of a predisposition screen in an ostensibly healthy population. It had not been previously curated by ICSL or reported in the Human Gene Mutation Database (HGMD: prior to June 1st, 2018), and was therefore a candidate for classification through an automated scoring system. Utilizing variant allele frequency, disease prevalence and penetrance estimates, and inheritance mode, an automated score was calculated to assess if this variant is too frequent to cause the disease. Based on the score and internal cut-off values, a variant classified as benign is not then subjected to further curation. The score for this variant resulted in a classification of benign for this disease.

Breakthrough Genomics
Classification: Benign. Review status: criteria provided, single submitter. Criteria: ACMG Guidelines, 2015. Collection method: not provided. Allele origin: germline. Inheritance: Autosomal recessive inheritance. Affected: yes.